The following is an entry in ClinVar:

ClinVar aggregate classification (germline): Uncertain significance (1 of 4 stars; one submission).

Conditions:
Ataxia-telangiectasia syndrome (AT). Also called: LOUIS-BAR SYNDROME; Ataxia-telangiectasia, complementation group D; ATAXIA-TELANGIECTASIA, COMPLEMENTATION GROUP A; ATAXIA-TELANGIECTASIA, FRESNO VARIANT; Ataxia-telangiectasia; Ataxia telangiectasia (A-T). Identifiers: Orphanet 100, MedGen C0004135, MONDO:0008840, OMIM 208900.

Submission:

Labcorp Genetics (formerly Invitae), Labcorp
Classification: Uncertain significance for Ataxia-telangiectasia syndrome. Last evaluated: 2023-01-17. Review status: criteria provided, single submitter. Criteria: Invitae Variant Classification Sherloc (09022015). Collection method: clinical testing. Allele origin: germline.
Comment: This sequence change replaces alanine, which is neutral and non-polar, with serine, which is neutral and polar, at codon 1732 of the ATM protein (p.Ala1732Ser). This variant is not present in population databases (gnomAD no frequency). This variant has not been reported in the literature in individuals affected with ATM-related conditions. Algorithms developed to predict the effect of missense changes on protein structure and function are either unavailable or do not agree on the potential impact of this missense change (SIFT: "Tolerated"; PolyPhen-2: "Probably Damaging"; Align-GVGD: "Class C0"). In summary, the available evidence is currently insufficient to determine the role of this variant in disease. Therefore, it has been classified as a Variant of Uncertain Significance.

NM_000051.4(ATM):c.5194G>T (p.Ala1732Ser)

Gene: ATM (ATM serine/threonine kinase; plus strand). Cytogenetic location: 11q22.3.
Variant type: single nucleotide variant.
Coding change: c.5194G>T on transcript NM_000051.4 (MANE Select); coding-DNA position 5194, G replaced by T.
Protein change: p.Ala1732Ser; replaces alanine 1732 with serine.
Molecular consequence: missense variant.
Genome position (GRCh38, 1-based): chr11:108,301,664, G>T. VCF-style: chr11-108301664-G-T. GRCh37 (hg19) VCF-style: chr11-108172391-G-T.
Other names: c.5194G>T, p.Ala1732Ser (NM_001351834.2); short protein forms A1732S.
Identifiers: ClinVar variation 2829684 (VCV002829684.3), dbSNP rs730881372, ClinGen allele CA382542158.
Genomic context (GRCh38, chr11:108,301,664, plus strand): 5'-TAATAACTGGTGTACTTGATAGGCATTTGAATTGTTTTTTTCAGTGTCAAAGTTCGATCA[G>T]CAGCTGTTACCTGTTTGAAAAACATTTTAGCCACAAAGACTGGACATAGTTTCTGGGAGA-3'
Protein context (NP_000042.3, residues 1722-1742): LVEDCVKVRS[Ala1732Ser]AVTCLKNILA